The following is an entry in ClinVar:

NM_005263.5(GFI1):c.620C>T (p.Ala207Val)

Gene: GFI1 (growth factor independent 1 transcriptional repressor; minus strand). Cytogenetic location: 1p22.1.
Variant type: single nucleotide variant.
Coding change: c.620C>T on transcript NM_005263.5 (MANE Select); coding-DNA position 620, C replaced by T.
Protein change: p.Ala207Val; replaces alanine 207 with valine.
Molecular consequence: missense variant.
Genome position (GRCh38, 1-based): chr1:92,480,767, G>A on the plus strand (C>T on the coding strand, the complement: GFI1 is on the minus strand). VCF-style: chr1-92480767-G-A. GRCh37 (hg19) VCF-style: chr1-92946324-G-A.
Other names: c.620C>T, p.Ala207Val (NM_001127215.3, NM_001127216.3); short protein forms A207V.
Identifiers: ClinVar variation 5022384 (VCV005022384.1).

ClinVar aggregate classification (germline): Uncertain significance (1 of 4 stars; one submission).

Submission:

Ambry Genetics
Classification: Uncertain significance. Last evaluated: 2026-08-03. Review status: criteria provided, single submitter. Criteria: Ambry Variant Classification Scheme 2023. Collection method: clinical testing. Allele origin: germline.
Comment: The p.A207V variant (also known as c.620C>T), located in coding exon 3 of the GFI1 gene, results from a C to T substitution at nucleotide position 620. The alanine at codon 207 is replaced by valine, an amino acid with similar properties. This amino acid position is conserved. In addition, this alteration is predicted to be tolerated by in silico analysis. Based on the available evidence, the clinical significance of this variant remains unclear.